The following is an entry in ClinVar:

ClinVar aggregate classification (germline): Uncertain significance (1 of 4 stars; one submission).

Allele frequency attached by ClinVar (database versions not stated): gnomAD exomes below 0.00001; ExAC 0.00001; gnomAD 0.00001.

Submission:

Labcorp Genetics (formerly Invitae), Labcorp
Classification: Uncertain significance. Last evaluated: 2022-11-24. Review status: criteria provided, single submitter. Criteria: Invitae Variant Classification Sherloc (09022015). Collection method: clinical testing. Allele origin: germline.
Comment: This sequence change replaces cysteine, which is neutral and slightly polar, with tyrosine, which is neutral and polar, at codon 43 of the WNT4 protein (p.Cys43Tyr). This variant is not present in population databases (gnomAD no frequency). This variant has not been reported in the literature in individuals affected with WNT4-related conditions. Advanced modeling of protein sequence and biophysical properties (such as structural, functional, and spatial information, amino acid conservation, physicochemical variation, residue mobility, and thermodynamic stability) performed at Invitae indicates that this missense variant is expected to disrupt WNT4 protein function. In summary, the available evidence is currently insufficient to determine the role of this variant in disease. Therefore, it has been classified as a Variant of Uncertain Significance.

NM_030761.5(WNT4):c.128G>A (p.Cys43Tyr)

Gene: WNT4 (Wnt family member 4; minus strand). Cytogenetic location: 1p36.12.
Variant type: single nucleotide variant.
Coding change: c.128G>A on transcript NM_030761.5 (MANE Select); coding-DNA position 128, G replaced by A.
Protein change: p.Cys43Tyr; replaces cysteine 43 with tyrosine.
Molecular consequence: missense variant.
Genome position (GRCh38, 1-based): chr1:22,129,801, C>T on the plus strand (G>A on the coding strand, the complement: WNT4 is on the minus strand). VCF-style: chr1-22129801-C-T. GRCh37 (hg19) VCF-style: chr1-22456294-C-T.
Other names: short protein forms C43Y.
Identifiers: ClinVar variation 2785066 (VCV002785066.3), dbSNP rs757851512, ClinGen allele CA675507.